The following is an entry in ClinVar:

ClinVar aggregate classification (germline): Likely pathogenic (1 of 4 stars; one submission).

Submission:

GeneDx
Classification: Likely pathogenic. Last evaluated: 2024-11-06. Review status: criteria provided, single submitter. Criteria: GeneDx Variant Classification Process June 2021. Collection method: clinical testing. Allele origin: germline. Affected: yes.
Comment: Frameshift variant predicted to result in abnormal protein length as the last 38 amino acids are replaced with 34 different amino acids, and other similar variants have been reported in HGMD; Not observed at significant frequency in large population cohorts (gnomAD); Has not been previously published as pathogenic or benign to our knowledge

NM_016366.3(CABP2):c.547del (p.Ala183fs)

Gene: CABP2 (calcium binding protein 2; minus strand). Cytogenetic location: 11q13.2.
Variant type: Deletion.
Coding change: c.547del on transcript NM_016366.3 (MANE Select); coding-DNA position 547, one base deleted (G; older notation c.547delG).
Protein change: p.Ala183fs; shifts the reading frame from alanine 183.
Molecular consequence: frameshift variant.
Genome position (GRCh38, 1-based): chr11:67,519,883, C deleted on the plus strand (G on the coding strand, the reverse complement: CABP2 is on the minus strand); the first of 2 consecutive C bases (chr11:67,519,883-67,519,884); deleting either gives the same sequence. VCF-style (leftmost placement, unchanged base first): chr11-67519882-GC-G. GRCh37 (hg19) VCF-style: chr11-67287353-GC-G.
Other names: c.565del, p.Ala189fs (NM_001318496.2); short protein forms A183fs, A189fs.
Identifiers: ClinVar variation 3898887 (VCV003898887.1).